The following is an entry in ClinVar:

NM_001001563.5(TIMM50):c.761T>A (p.Phe254Tyr)

Gene: TIMM50 (translocase of inner mitochondrial membrane 50; plus strand). Cytogenetic location: 19q13.2.
Variant type: single nucleotide variant.
Coding change: c.761T>A on transcript NM_001001563.5 (MANE Select); coding-DNA position 761, T replaced by A.
Protein change: p.Phe254Tyr; replaces phenylalanine 254 with tyrosine.
Molecular consequence: missense variant.
Genome position (GRCh38, 1-based): chr19:39,488,125, T>A. VCF-style: chr19-39488125-T-A. GRCh37 (hg19) VCF-style: chr19-39978765-T-A.
Other names: c.422T>A, p.Phe141Tyr (NM_001329559.2); short protein forms F254Y, F141Y.
Identifiers: ClinVar variation 2172486 (VCV002172486.1), dbSNP rs200065599, ClinGen allele CA308240652.

ClinVar aggregate classification (germline): Uncertain significance (1 of 4 stars; one submission).

Allele frequency attached by ClinVar (database versions not stated): gnomAD 0.00001; TOPMed 0.00001.
gnomAD v4.1: 4 of 1,613,912 alleles (0.00025%); highest among the groups gnomAD compares: Non-Finnish European, 0.00034%; no homozygotes.

Submission:

Labcorp Genetics (formerly Invitae), Labcorp
Classification: Uncertain significance. Last evaluated: 2022-08-06. Review status: criteria provided, single submitter. Criteria: Invitae Variant Classification Sherloc (09022015). Collection method: clinical testing. Allele origin: germline.
Comment: This sequence change replaces phenylalanine, which is neutral and non-polar, with tyrosine, which is neutral and polar, at codon 357 of the TIMM50 protein (p.Phe357Tyr). This variant is present in population databases (rs200065599, gnomAD 0.002%). This variant has not been reported in the literature in individuals affected with TIMM50-related conditions. Algorithms developed to predict the effect of missense changes on protein structure and function are either unavailable or do not agree on the potential impact of this missense change (SIFT: "Not Available"; PolyPhen-2: "Benign"; Align-GVGD: "Not Available"). In summary, the available evidence is currently insufficient to determine the role of this variant in disease. Therefore, it has been classified as a Variant of Uncertain Significance.